The following is an entry in ClinVar:

ClinVar aggregate classification (germline): Benign. Review status: criteria provided, multiple submitters, no conflicts (2 of 4 stars). 2 submissions from 2 submitters: Benign (2). Last evaluated 2018-06-14.

Allele frequency attached by ClinVar (database versions not stated): gnomAD exomes 0.37669; gnomAD 0.47398 and 0.47507; TOPMed 0.49079; 1000 Genomes Project 0.51617; 1000 Genomes Project 30x 0.52530.
gnomAD v4.1: 445,489 of 1,140,790 alleles (39%); highest among the groups gnomAD compares: African/African-American, 70%; 93,971 homozygotes.

Submissions (2):

GeneDx
Classification: Benign. Last evaluated: 2018-06-14. Review status: criteria provided, single submitter. Criteria: GeneDx Variant Classification (06012015). Collection method: clinical testing. Allele origin: germline. Affected: yes.
Comment: This variant is considered likely benign or benign based on one or more of the following criteria: it is a conservative change, it occurs at a poorly conserved position in the protein, it is predicted to be benign by multiple in silico algorithms, and/or has population frequency not consistent with disease.

Breakthrough Genomics
Classification: Benign. Review status: criteria provided, single submitter. Criteria: ACMG Guidelines, 2015. Collection method: not provided. Allele origin: germline. Inheritance: Autosomal dominant inheritance. Affected: yes.

NM_001958.5(EEF1A2):c.145-133C>T

Gene: EEF1A2 (eukaryotic translation elongation factor 1 alpha 2; minus strand). Cytogenetic location: 20q13.33.
Variant type: single nucleotide variant.
Coding change: c.145-133C>T on transcript NM_001958.5 (MANE Select); 133 bases into the intron before coding-DNA position 145, C replaced by T.
Molecular consequence: intron variant.
Genome position (GRCh38, 1-based): chr20:63,496,168, G>A on the plus strand (C>T on the coding strand, the complement: EEF1A2 is on the minus strand). VCF-style: chr20-63496168-G-A. GRCh37 (hg19) VCF-style: chr20-62127521-G-A.
Identifiers: ClinVar variation 680010 (VCV000680010.2), dbSNP rs310619, ClinGen allele CA14765958.